The following is an entry in ClinVar:

NM_032242.4(PLXNA1):c.5242C>T (p.Arg1748Cys)

Gene: PLXNA1 (plexin A1; plus strand). Cytogenetic location: 3q21.3.
Variant type: single nucleotide variant.
Coding change: c.5242C>T on transcript NM_032242.4 (MANE Select); coding-DNA position 5242, C replaced by T.
Protein change: p.Arg1748Cys; replaces arginine 1748 with cysteine.
Molecular consequence: missense variant.
Genome position (GRCh38, 1-based): chr3:127,032,397, C>T. VCF-style: chr3-127032397-C-T. GRCh37 (hg19) VCF-style: chr3-126751240-C-T.
Other names: short protein forms R1748C.
Identifiers: ClinVar variation 867241 (VCV000867241.3), dbSNP rs2079215968, ClinGen allele CA354403736.
Genomic context (GRCh38, chr3:127,032,397, plus strand): 5'-CAGGAGGGAGCAGAGGCCTATCTGAGCAGCGCCTGGACTCTCGCCTGCAGCCTGCCCCTG[C>T]GCTTCTGGGTGAACGTGATCAAGAACCCACAGTTTGTGTTCGACATTCACAAGAACAGCA-3'
Protein context (NP_115618.3, residues 1738-1758): HTWKSNCLPL[Arg1748Cys]FWVNVIKNPQ

ClinVar aggregate classification (germline): Conflicting classifications of pathogenicity. Review status: criteria provided, conflicting classifications (1 of 4 stars). 3 submissions from 3 submitters: Likely pathogenic (1); Uncertain significance (1). 1 of the submissions does not count toward it. Last evaluated 2025-10-02.

Conditions:
Dworschak-Punetha neurodevelopmental syndrome (DWOPNED). Identifiers: MedGen C5677017, MONDO:0859260, OMIM 619955.
Neurodevelopmental disorder. Identifiers: MedGen C1535926, MeSH D065886, MONDO:0700092.

Allele frequency attached by ClinVar (database versions not stated): gnomAD exomes below 0.00001.
gnomAD v4.1: 2 of 1,613,712 alleles (0.00012%); highest among the groups gnomAD compares: Non-Finnish European, 0.00017%; no homozygotes.

Submissions (3):

OLLIN Analises Genomicas, OLLIN
Classification: Likely pathogenic for Dworschak-Punetha neurodevelopmental syndrome. Last evaluated: 2025-10-02. Review status: criteria provided, single submitter. Criteria: ACMG Guidelines 2015 PMID 25741868. Collection method: clinical testing. Allele origin: germline. Affected: yes. Observed: 1 variant allele.
Comment: The missense variant (chr3:127032397C>T), located in exon 30 (of 32), is reported in ClinVar (VCV000867241.1), in gnomAD v4.1 non-UKB with an allele frequency of 0.00016%, and in the scientific literature, also being identified de novo in an individual with intellectual disability (PMID: 34054129). In silico analysis is inconclusive regarding the impact of this variant, and this gene shows low tolerance to missense variantion. According to currently available evidence, this variant has been classified as likely pathogenic (PS2, PM2_P, PP2).

Blueprint Genetics
Classification: Uncertain significance. Last evaluated: 2024-07-15. Review status: criteria provided, single submitter. Criteria: ACMG Guidelines, 2015. Collection method: clinical testing. Allele origin: germline.

Lupski Lab, Baylor-Hopkins CMG, Baylor College of Medicine
Classification: Likely pathogenic for Neurodevelopmental disorder. Last evaluated: 2019-11-30. Review status: no assertion criteria provided. Collection method: research. Allele origin: de novo. Inheritance: Autosomal dominant inheritance. Affected: yes. Observed: 1 heterozygote. Segregation with disease observed. Not counted in ClinVar's aggregate classification.

Literature cited by the submitters: PubMed 34054129 (cited by OLLIN Analises Genomicas, OLLIN).